The following is an entry in ClinVar:

NM_199420.4(POLQ):c.3008C>G (p.Ala1003Gly)

Gene: POLQ (DNA polymerase theta; minus strand). Cytogenetic location: 3q13.33.
Variant type: single nucleotide variant.
Coding change: c.3008C>G on transcript NM_199420.4 (MANE Select); coding-DNA position 3008, C replaced by G.
Protein change: p.Ala1003Gly; replaces alanine 1003 with glycine.
Molecular consequence: missense variant.
Genome position (GRCh38, 1-based): chr3:121,489,923, G>C on the plus strand (C>G on the coding strand, the complement: POLQ is on the minus strand). VCF-style: chr3-121489923-G-C. GRCh37 (hg19) VCF-style: chr3-121208770-G-C.
Other names: short protein forms A1003G.
Identifiers: ClinVar variation 2448919 (VCV002448919.2), dbSNP rs2546787921, ClinGen allele CA354103471.

ClinVar aggregate classification (germline): Uncertain significance (1 of 4 stars; one submission).

Submission:

Ambry Genetics
Classification: Uncertain significance. Last evaluated: 2022-11-25. Review status: criteria provided, single submitter. Criteria: Ambry Variant Classification Scheme 2023. Collection method: clinical testing. Allele origin: germline.
Comment: The p.A1003G variant (also known as c.3008C>G), located in coding exon 16 of the POLQ gene, results from a C to G substitution at nucleotide position 3008. The alanine at codon 1003 is replaced by glycine, an amino acid with similar properties. This amino acid position is conserved. In addition, this alteration is predicted to be tolerated by in silico analysis. Since supporting evidence is limited at this time, the clinical significance of this alteration remains unclear.